The following is an entry in ClinVar:

ClinVar aggregate classification (germline): Uncertain significance (1 of 4 stars; one submission).

Conditions:
Arrhythmogenic right ventricular dysplasia 8 (ARVD8). Also called: Arrhythmogenic Right Ventricular Dysplasia/Cardiomyopathy 8; ARRHYTHMOGENIC RIGHT VENTRICULAR DYSPLASIA, FAMILIAL, 8; ARRHYTHMOGENIC RIGHT VENTRICULAR CARDIOMYOPATHY 8. Identifiers: MedGen C1843896, MONDO:0011831, OMIM 607450.
Arrhythmogenic cardiomyopathy with wooly hair and keratoderma. Also called: PALMOPLANTAR KERATODERMA WITH LEFT VENTRICULAR CARDIOMYOPATHY AND WOOLLY HAIR; Arrhythmogenic cardiomyopathy with woolly hair and keratoderma; Carvajal syndrome; Dilated cardiomyopathy with woolly hair and keratoderma. Identifiers: Orphanet 65282, MedGen C1854063, MONDO:0011581, OMIM 605676.

gnomAD v4.1: 9 of 1,614,122 alleles (0.00056%); highest among the groups gnomAD compares: Non-Finnish European, 0.00068%; no homozygotes.

Submission:

Labcorp Genetics (formerly Invitae), Labcorp
Classification: Uncertain significance for Arrhythmogenic cardiomyopathy with wooly hair and keratoderma; Arrhythmogenic right ventricular dysplasia 8. Last evaluated: 2025-09-22. Review status: criteria provided, single submitter. Criteria: Invitae Variant Classification Sherloc (09022015). Collection method: clinical testing. Allele origin: germline.
Comment: This sequence change replaces glutamine, which is neutral and polar, with histidine, which is basic and polar, at codon 2128 of the DSP protein (p.Gln2128His). This variant is present in population databases (rs748155733, gnomAD 0.002%). This missense change has been observed in individual(s) with dilated cardiomyopathy (PMID: 31983221, 37652022). An algorithm developed to predict the effect of missense changes on protein structure and function (PolyPhen-2) suggests that this variant is likely to be disruptive. In summary, the available evidence is currently insufficient to determine the role of this variant in disease. Therefore, it has been classified as a Variant of Uncertain Significance.

Literature cited by the submitters: PubMed 31983221; PubMed 37652022.

NM_004415.4(DSP):c.6384G>C (p.Gln2128His)

Gene: DSP (desmoplakin; plus strand). Cytogenetic location: 6p24.3.
Variant type: single nucleotide variant.
Coding change: c.6384G>C on transcript NM_004415.4 (MANE Select); coding-DNA position 6384, G replaced by C.
Protein change: p.Gln2128His; replaces glutamine 2128 with histidine.
Molecular consequence: missense variant.
Genome position (GRCh38, 1-based): chr6:7,583,646, G>C. VCF-style: chr6-7583646-G-C. GRCh37 (hg19) VCF-style: chr6-7583879-G-C.
Other names: c.4587G>C, p.Gln1529His (NM_001008844.3); c.5055G>C, p.Gln1685His (NM_001319034.2); short protein forms Q2128H, Q1529H, Q1685H.
Identifiers: ClinVar variation 4783495 (VCV004783495.1).